The following is an entry in ClinVar:

ClinVar aggregate classification (germline): Uncertain significance (1 of 4 stars; one submission).

Submission:

Labcorp Genetics (formerly Invitae), Labcorp
Classification: Uncertain significance. Last evaluated: 2023-04-29. Review status: criteria provided, single submitter. Criteria: Invitae Variant Classification Sherloc (09022015). Collection method: clinical testing. Allele origin: germline.
Comment: This variant has not been reported in the literature in individuals affected with IGF1R-related conditions. In summary, the available evidence is currently insufficient to determine the role of this variant in disease. Therefore, it has been classified as a Variant of Uncertain Significance. An algorithm developed to predict the effect of missense changes on protein structure and function (PolyPhen-2) suggests that this variant is likely to be tolerated. This variant is not present in population databases (gnomAD no frequency). This sequence change replaces asparagine, which is neutral and polar, with histidine, which is basic and polar, at codon 124 of the IGF1R protein (p.Asn124His).

NM_000875.5(IGF1R):c.370A>C (p.Asn124His)

Gene: IGF1R (insulin like growth factor 1 receptor; plus strand). Cytogenetic location: 15q26.3.
Variant type: single nucleotide variant.
Coding change: c.370A>C on transcript NM_000875.5 (MANE Select); coding-DNA position 370, A replaced by C.
Protein change: p.Asn124His; replaces asparagine 124 with histidine.
Molecular consequence: missense variant.
Genome position (GRCh38, 1-based): chr15:98,707,837, A>C. VCF-style: chr15-98707837-A-C. GRCh37 (hg19) VCF-style: chr15-99251066-A-C.
Other names: c.370A>C, p.Asn124His (NM_001291858.2); short protein forms N124H.
Identifiers: ClinVar variation 2783653 (VCV002783653.3), dbSNP rs2505516154, ClinGen allele CA393697127.
Genomic context (GRCh38, chr15:98,707,837, plus strand): 5'-ACGGTCATCCGCGGCTGGAAACTCTTCTACAACTACGCCCTGGTCATCTTCGAGATGACC[A>C]ATCTCAAGGATATTGGGCTTTACAACCTGAGGAACATTACTCGGGGGGCCATCAGGATTG-3'
Protein context (NP_000866.1, residues 114-134): NYALVIFEMT[Asn124His]LKDIGLYNLR